The following is an entry in ClinVar:

ClinVar aggregate classification (germline): Uncertain significance (1 of 4 stars; one submission).

Conditions:
Neurodevelopmental disorder with dysmorphic facies and distal skeletal anomalies. Identifiers: MedGen C5231448, MONDO:0032855, OMIM 618659.

gnomAD v4.1: 1 of 1,595,320 alleles (0.000063%); highest among the groups gnomAD compares: Non-Finnish European, 0.000085%; no homozygotes.

Submission:

Juno Genomics, Hangzhou Juno Genomics, Inc
Classification: Uncertain significance for Neurodevelopmental disorder with dysmorphic facies and distal skeletal anomalies. Review status: criteria provided, single submitter. Criteria: ACMG Guidelines, 2015. Collection method: clinical testing. Allele origin: germline.
Comment: Absent from controls (or at extremely low frequency if recessive) in Genome Aggregation Database.;Missense variant in a gene that has a low rate of benign missense variation.

NM_020338.4(ZMIZ1):c.419C>T (p.Ser140Leu)

Gene: ZMIZ1 (zinc finger MIZ-type containing 1; plus strand). Cytogenetic location: 10q22.3.
Variant type: single nucleotide variant.
Coding change: c.419C>T on transcript NM_020338.4 (MANE Select); coding-DNA position 419, C replaced by T.
Protein change: p.Ser140Leu; replaces serine 140 with leucine.
Molecular consequence: missense variant.
Genome position (GRCh38, 1-based): chr10:79,277,319, C>T. VCF-style: chr10-79277319-C-T. GRCh37 (hg19) VCF-style: chr10-81037076-C-T.
Other names: short protein forms S140L.
Identifiers: ClinVar variation 5007745 (VCV005007745.2).